The following is an entry in ClinVar:

ClinVar aggregate classification (germline): Uncertain significance (1 of 4 stars; one submission).

Conditions:
Frontotemporal dementia and/or amyotrophic lateral sclerosis 7 (FTDALS7). Also called: CHMP2B-Related Frontotemporal Dementia-Amyotrophic Lateral Sclerosis; AMYOTROPHIC LATERAL SCLEROSIS, CHMP2B-RELATED; Amyotrophic lateral sclerosis 17; CHMP2B-related frontotemporal dementia. Identifiers: Orphanet 275864, Orphanet 282, Orphanet 803, MedGen C1833296, MONDO:0010936, OMIM 600795.

Submission:

Labcorp Genetics (formerly Invitae), Labcorp
Classification: Uncertain significance for Frontotemporal dementia and/or amyotrophic lateral sclerosis 7. Last evaluated: 2025-12-13. Review status: criteria provided, single submitter. Criteria: Invitae Variant Classification Sherloc (09022015). Collection method: clinical testing. Allele origin: germline.
Comment: This sequence change creates a premature translational stop signal (p.Gln95*) in the CHMP2B gene. It is expected to result in an absent or disrupted protein product. However, the current clinical and genetic evidence is not sufficient to establish whether loss-of-function variants in CHMP2B cause disease. This variant is not present in population databases (gnomAD no frequency). This variant has not been reported in the literature in individuals affected with CHMP2B-related conditions. In summary, the available evidence is currently insufficient to determine the role of this variant in disease. Therefore, it has been classified as a Variant of Uncertain Significance.

NM_014043.4(CHMP2B):c.283C>T (p.Gln95Ter)

Gene: CHMP2B (charged multivesicular body protein 2B; plus strand). Cytogenetic location: 3p11.2.
Variant type: single nucleotide variant.
Coding change: c.283C>T on transcript NM_014043.4 (MANE Select); coding-DNA position 283, C replaced by T.
Protein change: p.Gln95Ter; replaces glutamine 95 with a stop codon.
Molecular consequence: nonsense.
Genome position (GRCh38, 1-based): chr3:87,245,870, C>T. VCF-style: chr3-87245870-C-T. GRCh37 (hg19) VCF-style: chr3-87295020-C-T.
Other names: c.160C>T, p.Gln54Ter (NM_001244644.2); c.379C>T, p.Gln127Ter (NM_001410777.1); short protein forms Q127*, Q54*, Q95*.
Identifiers: ClinVar variation 4787876 (VCV004787876.1).